The following is an entry in ClinVar:

ClinVar aggregate classification (germline): Uncertain significance. Review status: reviewed by expert panel (3 of 4 stars). 2 submissions from 2 submitters: Uncertain significance (1). 1 of the submissions does not count toward it. Last evaluated 2025-07-24.

Conditions:
HNF1A-related disorders.
Monogenic diabetes. Identifiers: Orphanet 183625, MedGen C3888631, MONDO:0015967.

Submissions (2):

ClinGen Monogenic Diabetes Variant Curation Expert Panel
Classification: Uncertain significance for Monogenic diabetes. Last evaluated: 2025-07-24. Review status: reviewed by expert panel. Criteria: ClinGen Diabetes ACMG Specifications HNF1A V3.0.0. Collection method: curation. Allele origin: germline. Inheritance: Autosomal dominant inheritance.
Comment: The c.763G>A variant in the HNF1 homeobox A gene, HNF1A, causes an amino acid change of glycine to serine at codon 255 (p.(Gly255Ser)) of NM_000545.8. This variant is located within a conserved region of the HNF1A DNA binding domain (codons 107-174 and 201-280), which is defined as critical for the protein’s function by the ClinGen MDEP. Additionally, this variant is absent from gnomAD v2.1.1 and v4.1.0 (PM2_Supporting). This variant is predicted to be deleterious by computational evidence, with a REVEL score of 0.951, which is greater than the MDEP threshold of 0.70 (PP3). This variant was identified in one individual with diabetes; however this number does not meet the MDEP cutoff for PS4_Moderate. The clinical history of this individual is suggestive of HNF1A-MODY (MODY probability calculator result >50%); however, HNF4A was not tested, and so PP4 cannot be applied (internal lab contributor). This variant segregated with diabetes with one informative meiosis in this family; however, this does not meet the thresholds for PP1 set by the ClinGen MDEP (PMID: 27236918, internal lab contributor). Functional studies demonstrated the p.Gly255Ser protein has DNA binding above 75% of wild type (PMID: 27229139; BS3_Supporting). In summary, c.763G>A meets the criteria to be classified as variant of unknown significance for monogenic diabetes. ACMG/AMP criteria applied, as specified by the ClinGen MDEP (specification version 3.0.0, approved 6/30/2025): PM2_Supporting, PM1_Supporting, PP3, BS3_Supporting.

Blueprint Genetics
Classification: Likely pathogenic for HNF1A-related disorders. Last evaluated: 2023-04-17. Review status: criteria provided, single submitter. Criteria: ACMG Guidelines, 2015. Collection method: clinical testing. Allele origin: germline. Affected: yes. Observed: 1 variant allele. Not counted in ClinVar's aggregate classification.

Literature cited by the submitters: PubMed 27229139 (cited by ClinGen Monogenic Diabetes Variant Curation Expert Panel).

NM_000545.8(HNF1A):c.763G>A (p.Gly255Ser)

Gene: HNF1A (HNF1 homeobox A; plus strand). Cytogenetic location: 12q24.31.
Variant type: single nucleotide variant.
Coding change: c.763G>A on transcript NM_000545.8 (MANE Select); coding-DNA position 763, G replaced by A.
Protein change: p.Gly255Ser; replaces glycine 255 with serine.
Molecular consequence: missense variant.
Genome position (GRCh38, 1-based): chr12:120,994,213, G>A. VCF-style: chr12-120994213-G-A. GRCh37 (hg19) VCF-style: chr12-121432016-G-A.
Other names: NM_001306179.2:c.763G>A; c.763G>A, p.Gly255Ser (NM_001306179.2); short protein forms G255S.
Identifiers: ClinVar variation 1676717 (VCV001676717.5), dbSNP rs2135841479, ClinGen allele CA386965984.